The following is an entry in ClinVar:

NM_020975.6(RET):c.2231T>C (p.Phe744Ser)

Gene: RET (ret proto-oncogene; plus strand). Cytogenetic location: 10q11.21.
Variant type: single nucleotide variant.
Coding change: c.2231T>C on transcript NM_020975.6 (MANE Select); coding-DNA position 2231, T replaced by C.
Protein change: p.Phe744Ser; replaces phenylalanine 744 with serine.
Molecular consequence: missense variant.
Genome position (GRCh38, 1-based): chr10:43,116,678, T>C. VCF-style: chr10-43116678-T-C. GRCh37 (hg19) VCF-style: chr10-43612126-T-C.
Other names: c.2231T>C, p.Phe744Ser (NM_000323.2, NM_001406743.1, NM_001406744.1 and 4 more transcripts); c.1469T>C, p.Phe490Ser (NM_001355216.2); c.2102T>C, p.Phe701Ser (NM_001406761.1, NM_001406762.1, NM_001406764.1); c.2096T>C, p.Phe699Ser (NM_001406763.1, NM_001406765.1); c.1943T>C, p.Phe648Ser (NM_001406766.1, NM_001406767.1, NM_001406770.1); c.1967T>C, p.Phe656Ser (NM_001406768.1); c.1835T>C, p.Phe612Ser (NM_001406769.1, NM_001406772.1); c.1793T>C, p.Phe598Ser (NM_001406771.1, NM_001406773.1); and 10 more; short protein forms F502S, F569S, F309S, F400S, F490S, F699S, F744S, F402S.
Identifiers: ClinVar variation 2722478 (VCV002722478.3), dbSNP rs2538536069, ClinGen allele CA376554622.

ClinVar aggregate classification (germline): Uncertain significance (1 of 4 stars; one submission).

Conditions:
Multiple endocrine neoplasia, type 2 (MEN2). Identifiers: Orphanet 653, MedGen C4048306, MONDO:0019003. Disease mechanism: gain of function.

Submission:

Labcorp Genetics (formerly Invitae), Labcorp
Classification: Uncertain significance for Multiple endocrine neoplasia, type 2. Last evaluated: 2023-09-19. Review status: criteria provided, single submitter. Criteria: Invitae Variant Classification Sherloc (09022015). Collection method: clinical testing. Allele origin: germline.
Comment: In summary, the available evidence is currently insufficient to determine the role of this variant in disease. Therefore, it has been classified as a Variant of Uncertain Significance. An algorithm developed to predict the effect of missense changes on protein structure and function (PolyPhen-2) suggests that this variant is likely to be disruptive. This variant has not been reported in the literature in individuals affected with RET-related conditions. This variant is not present in population databases (gnomAD no frequency). This sequence change replaces phenylalanine, which is neutral and non-polar, with serine, which is neutral and polar, at codon 744 of the RET protein (p.Phe744Ser).